The following is an entry in ClinVar:

NM_000122.2(ERCC3):c.1317C>G (p.Ile439Met)

Gene: ERCC3 (ERCC excision repair 3, TFIIH core complex helicase subunit; minus strand). Cytogenetic location: 2q14.3.
Variant type: single nucleotide variant.
Coding change: c.1317C>G on transcript NM_000122.2 (MANE Select); coding-DNA position 1317, C replaced by G.
Protein change: p.Ile439Met; replaces isoleucine 439 with methionine.
Molecular consequence: missense variant.
Genome position (GRCh38, 1-based): chr2:127,286,728, G>C on the plus strand (C>G on the coding strand, the complement: ERCC3 is on the minus strand). VCF-style: chr2-127286728-G-C. GRCh37 (hg19) VCF-style: chr2-128044304-G-C.
Other names: c.1125C>G, p.Ile375Met (NM_001303416.2, NM_001303418.2); short protein forms I375M, I439M.
Identifiers: ClinVar variation 1440450 (VCV001440450.5), dbSNP rs772991846, ClinGen allele CA1858315.

ClinVar aggregate classification (germline): Uncertain significance (1 of 4 stars; one submission).

Allele frequency attached by ClinVar (database versions not stated): gnomAD 0.00001; TOPMed 0.00001; ExAC 0.00004; gnomAD exomes 0.00006.
gnomAD v4.1: 65 of 1,613,928 alleles (0.004%); highest among the groups gnomAD compares: South Asian, 0.065%; no homozygotes.

Submission:

Labcorp Genetics (formerly Invitae), Labcorp
Classification: Uncertain significance. Last evaluated: 2022-06-27. Review status: criteria provided, single submitter. Criteria: Invitae Variant Classification Sherloc (09022015). Collection method: clinical testing. Allele origin: germline.
Comment: This sequence change replaces isoleucine, which is neutral and non-polar, with methionine, which is neutral and non-polar, at codon 439 of the ERCC3 protein (p.Ile439Met). This variant is present in population databases (rs772991846, gnomAD 0.04%). This variant has not been reported in the literature in individuals affected with ERCC3-related conditions. Algorithms developed to predict the effect of missense changes on protein structure and function are either unavailable or do not agree on the potential impact of this missense change (SIFT: "Deleterious"; PolyPhen-2: "Possibly Damaging"; Align-GVGD: "Class C0"). In summary, the available evidence is currently insufficient to determine the role of this variant in disease. Therefore, it has been classified as a Variant of Uncertain Significance.